The following is an entry in ClinVar:

ClinVar aggregate classification (germline): Pathogenic (1 of 4 stars; one submission).

Conditions:
Cranioectodermal dysplasia 1 (CED1). Also called: LEVIN SYNDROME I. Identifiers: Orphanet 1515, MedGen C0432235, MONDO:0021093, OMIM 218330.

Submission:

Labcorp Genetics (formerly Invitae), Labcorp
Classification: Pathogenic for Cranioectodermal dysplasia 1. Last evaluated: 2023-08-17. Review status: criteria provided, single submitter. Criteria: Invitae Variant Classification Sherloc (09022015). Collection method: clinical testing. Allele origin: germline.
Comment: For these reasons, this variant has been classified as Pathogenic. ClinVar contains an entry for this variant (Variation ID: 2033213). This variant has not been reported in the literature in individuals affected with IFT122-related conditions. This variant is not present in population databases (gnomAD no frequency). This sequence change creates a premature translational stop signal (p.Phe167Trpfs*6) in the IFT122 gene. It is expected to result in an absent or disrupted protein product. Loss-of-function variants in IFT122 are known to be pathogenic (PMID: 20493458, 23826986, 26792575).

Literature cited by the submitters: PubMed 20493458; PubMed 23826986; PubMed 26792575.

NM_052989.3(IFT122):c.347_348del (p.Phe116fs)

Gene: IFT122 (intraflagellar transport 122; plus strand). Cytogenetic location: 3q21.3.
Variant type: Deletion.
Coding change: c.347_348del on transcript NM_052989.3 (MANE Select); coding-DNA positions 347 to 348, 2 bases deleted (TT; older notation c.347_348delTT).
Protein change: p.Phe116fs; shifts the reading frame from phenylalanine 116.
Molecular consequence: frameshift variant. On other transcripts: 5 prime UTR variant (2), intron variant (1).
Genome position (GRCh38, 1-based): chr3:129,461,302-129,461,303, TT deleted; deleting any 2 consecutive bases within chr3:129,461,301-129,461,303 gives the same sequence; the c. name uses the placement nearest the transcript's 3' end. VCF-style (leftmost placement, unchanged base first): chr3-129461300-CTT-C. GRCh37 (hg19) VCF-style: chr3-129180143-CTT-C.
Other names: c.500_501del, p.Phe167fs (NM_001280541.2, NM_052985.4); c.-104_-103del (NM_001280545.2, NM_001280546.2); c.347_348delTT, p.Phe116Trpfs (NM_001410808.1, NM_001410809.1, NM_001410810.1 and 2 more transcripts); c.347_348del, p.Phe116fs (NM_018262.4); c.194-2258_194-2257del (NM_052990.3); short protein forms F116fs, F167fs.
Identifiers: ClinVar variation 2033213 (VCV002033213.4), dbSNP rs2531375175, ClinGen allele CA2580068715.